The following is an entry in ClinVar:

ClinVar aggregate classification (germline): Conflicting classifications of pathogenicity. Review status: criteria provided, conflicting classifications (1 of 4 stars). 3 submissions from 3 submitters: Uncertain significance (2); Likely benign (1). Last evaluated 2025-10-07.

Conditions:
Inborn genetic diseases. Identifiers: MedGen C0950123, MeSH D030342.

Allele frequency attached by ClinVar (database versions not stated): gnomAD 0.00001; ExAC 0.00002; TOPMed 0.00002.
gnomAD v4.1: 24 of 1,613,878 alleles (0.0015%); highest among the groups gnomAD compares: South Asian, 0.0022%; no homozygotes.

Submissions (3):

Ambry Genetics
Classification: Uncertain significance for Inborn genetic diseases. Last evaluated: 2025-10-07. Review status: criteria provided, single submitter. Criteria: Ambry Variant Classification Scheme 2023. Collection method: clinical testing. Allele origin: germline.

Labcorp Genetics (formerly Invitae), Labcorp
Classification: Uncertain significance. Last evaluated: 2024-05-24. Review status: criteria provided, single submitter. Criteria: Invitae Variant Classification Sherloc (09022015). Collection method: clinical testing. Allele origin: germline.
Comment: This sequence change replaces arginine, which is basic and polar, with glutamine, which is neutral and polar, at codon 593 of the COL7A1 protein (p.Arg593Gln). The frequency data for this variant in the population databases is considered unreliable, as metrics indicate poor data quality at this position in the gnomAD database. This variant has not been reported in the literature in individuals affected with COL7A1-related conditions. ClinVar contains an entry for this variant (Variation ID: 2149475). Experimental studies and prediction algorithms are not available or were not evaluated, and the functional significance of this variant is currently unknown. In summary, the available evidence is currently insufficient to determine the role of this variant in disease. Therefore, it has been classified as a Variant of Uncertain Significance.

Blueprint Genetics
Classification: Likely benign. Last evaluated: 2019-08-19. Review status: criteria provided, single submitter. Criteria: ACMG Guidelines, 2015. Collection method: clinical testing. Allele origin: germline.

NM_000094.4(COL7A1):c.1778G>A (p.Arg593Gln)

Gene: COL7A1 (collagen type VII alpha 1 chain; minus strand). Cytogenetic location: 3p21.31.
Variant type: single nucleotide variant.
Coding change: c.1778G>A on transcript NM_000094.4 (MANE Select); coding-DNA position 1778, G replaced by A.
Protein change: p.Arg593Gln; replaces arginine 593 with glutamine.
Molecular consequence: missense variant.
Genome position (GRCh38, 1-based): chr3:48,590,675, C>T on the plus strand (G>A on the coding strand, the complement: COL7A1 is on the minus strand). VCF-style: chr3-48590675-C-T. GRCh37 (hg19) VCF-style: chr3-48628108-C-T.
Other names: short protein forms R593Q.
Identifiers: ClinVar variation 2149475 (VCV002149475.7), dbSNP rs751029855, ClinGen allele CA2381122.